The following is an entry in ClinVar:

NM_025137.4(SPG11):c.4592A>C (p.Gln1531Pro)

Gene: SPG11 (SPG11 vesicle trafficking associated, spatacsin; minus strand). Cytogenetic location: 15q21.1.
Variant type: single nucleotide variant.
Coding change: c.4592A>C on transcript NM_025137.4 (MANE Select); coding-DNA position 4592, A replaced by C.
Protein change: p.Gln1531Pro; replaces glutamine 1531 with proline.
Molecular consequence: missense variant.
Genome position (GRCh38, 1-based): chr15:44,595,302, T>G on the plus strand (A>C on the coding strand, the complement: SPG11 is on the minus strand). VCF-style: chr15-44595302-T-G. GRCh37 (hg19) VCF-style: chr15-44887500-T-G.
Other names: c.4592A>C, p.Gln1531Pro (NM_001160227.2); short protein forms Q1531P.
Identifiers: ClinVar variation 1518493 (VCV001518493.8), dbSNP rs2140969699, ClinGen allele CA392226096.

ClinVar aggregate classification (germline): Uncertain significance (1 of 4 stars; one submission).

Conditions:
Hereditary spastic paraplegia 11. Also called: Spastic paraplegia, mental retardation and thin corpus callosum; SPASTIC PARAPLEGIA, AUTOSOMAL RECESSIVE, COMPLICATED, WITH THIN CORPUS CALLOSUM; SPASTIC PARAPLEGIA, AUTOSOMAL RECESSIVE, WITH MENTAL IMPAIRMENT AND THIN CORPUS CALLOSUM; Spastic Paraplegia 11; Nakamura Osame syndrome; Autosomal recessive hereditary spastic paraplegia, mental impairment, and thin corpus callosum. Identifiers: Orphanet 2822, MedGen C1858479, MONDO:0011445, OMIM 604360.

Submission:

Labcorp Genetics (formerly Invitae), Labcorp
Classification: Uncertain significance for Hereditary spastic paraplegia 11. Last evaluated: 2021-07-11. Review status: criteria provided, single submitter. Criteria: Invitae Variant Classification Sherloc (09022015). Collection method: clinical testing. Allele origin: germline.
Comment: This sequence change replaces glutamine with proline at codon 1531 of the SPG11 protein (p.Gln1531Pro). The glutamine residue is moderately conserved and there is a moderate physicochemical difference between glutamine and proline. This variant is not present in population databases (ExAC no frequency). This variant has not been reported in the literature in individuals affected with SPG11-related conditions. Algorithms developed to predict the effect of missense changes on protein structure and function are either unavailable or do not agree on the potential impact of this missense change (SIFT: "Tolerated"; PolyPhen-2: "Possibly Damaging"; Align-GVGD: "Class C0"). In summary, the available evidence is currently insufficient to determine the role of this variant in disease. Therefore, it has been classified as a Variant of Uncertain Significance.